The following is an entry in ClinVar:

NM_032444.4(SLX4):c.1911G>A (p.Ser637=)

Gene: SLX4 (SLX4 structure-specific endonuclease subunit; minus strand). Cytogenetic location: 16p13.3.
Variant type: single nucleotide variant.
Coding change: c.1911G>A on transcript NM_032444.4 (MANE Select); coding-DNA position 1911, G replaced by A.
Protein change: p.Ser637=; no amino-acid change (serine 637 retained).
Molecular consequence: synonymous variant.
Genome position (GRCh38, 1-based): chr16:3,596,166, C>T on the plus strand (G>A on the coding strand, the complement: SLX4 is on the minus strand). VCF-style: chr16-3596166-C-T. GRCh37 (hg19) VCF-style: chr16-3646167-C-T.
Other names: c.1911G>A (NM_032444.3).
Identifiers: ClinVar variation 1373881 (VCV001373881.26), dbSNP rs200013924, ClinGen allele CA7866381.
Genomic context (GRCh38, chr16:3,596,166, plus strand): 5'-GGCCCGGGAGGGCAGGGCTGGCCCTAGAGTCCCACCCAGCATCTCACCTGCAGTCCCTTC[C>T]GAGCCAGCCAGGCCCCCACTGCCGGGCCACGGGCTGGCGCTCAGTCCCTCCCTCGCCAGG-3'
Protein context (NP_115820.2, residues 627-647): PWPGSGGLAG[Ser637=]EGTAGLDVVP

ClinVar aggregate classification (germline): Likely benign. Review status: criteria provided, multiple submitters, no conflicts (2 of 4 stars). 3 submissions from 3 submitters: Likely benign (2). 1 of the submissions does not count toward it. Last evaluated 2025-04-07.

Conditions:
SLX4-related disorder. Also called: SLX4-related condition.
Fanconi anemia (FA). Also called: Fanconi's anemia. Identifiers: Orphanet 84, MedGen C0015625, MeSH D005199, MONDO:0019391.

Submissions (3):

Labcorp Genetics (formerly Invitae), Labcorp
Classification: Likely benign for Fanconi anemia. Last evaluated: 2025-04-07. Review status: criteria provided, single submitter. Criteria: Invitae Variant Classification Sherloc (09022015). Collection method: clinical testing. Allele origin: germline.

CeGaT Center for Human Genetics Tuebingen
Classification: Likely benign. Last evaluated: 2024-07-01. Review status: criteria provided, single submitter. Criteria: CeGaT Center For Human Genetics Tuebingen Variant Classification Criteria Version 2. Collection method: clinical testing. Allele origin: germline. Affected: yes. Observed: 1 variant allele.
Comment: SLX4: BP4, BP7

PreventionGenetics, part of Exact Sciences
Classification: Likely benign for SLX4-related condition. Last evaluated: 2023-09-19. Review status: no assertion criteria provided. Collection method: clinical testing. Allele origin: germline. Not counted in ClinVar's aggregate classification.
Comment: This variant is classified as likely benign based on ACMG/AMP sequence variant interpretation guidelines (Richards et al. 2015 PMID: 25741868, with internal and published modifications).